The following is an entry in ClinVar:

NM_001089.3(ABCA3):c.1675G>A (p.Gly559Arg)

Gene: ABCA3 (ATP binding cassette subfamily A member 3; minus strand). Cytogenetic location: 16p13.3.
Variant type: single nucleotide variant.
Coding change: c.1675G>A on transcript NM_001089.3 (MANE Select); coding-DNA position 1675, G replaced by A.
Protein change: p.Gly559Arg; replaces glycine 559 with arginine.
Molecular consequence: missense variant.
Genome position (GRCh38, 1-based): chr16:2,299,469, C>T on the plus strand (G>A on the coding strand, the complement: ABCA3 is on the minus strand). VCF-style: chr16-2299469-C-T. GRCh37 (hg19) VCF-style: chr16-2349470-C-T.
Other names: short protein forms G559R.
Identifiers: ClinVar variation 3341964 (VCV003341964.18).

ClinVar aggregate classification (germline): Uncertain significance. Review status: criteria provided, multiple submitters, no conflicts (2 of 4 stars). 3 submissions from 3 submitters: Uncertain significance (3). Last evaluated 2026-05-28.

Conditions:
Interstitial lung disease due to ABCA3 deficiency. Also called: PULMONARY ALVEOLAR PROTEINOSIS, CONGENITAL, 3. Identifiers: Orphanet 440402, MedGen C1970456, MONDO:0012582, OMIM 610921.

gnomAD v4.1: 7 of 1,613,798 alleles (0.00043%); highest among the groups gnomAD compares: Non-Finnish European, 0.00059%; no homozygotes.

Submissions (3):

Myriad Genetics, Inc.
Classification: Uncertain significance for Interstitial lung disease due to ABCA3 deficiency. Last evaluated: 2026-05-28. Review status: criteria provided, single submitter. Criteria: Myriad Autosomal Dominant, Autosomal Recessive and X-Linked Classification Criteria (2023). Collection method: clinical testing. Allele origin: unknown.
Comment: NM_001089.2(ABCA3):c.1675G>A(G559R) is a missense variant classified as a variant of uncertain significance in the context of surfactant deficiency, ABCA3-related. G559R has been observed in a case with relevant disease (PMID: 32238781). Relevant functional assessments of this variant are not available in the literature. G559R has not been observed in referenced population frequency databases. In summary, there is insufficient evidence to classify NM_001089.2(ABCA3):c.1675G>A(G559R) as pathogenic or benign. Please note: this variant was assessed in the context of healthy population screening.

Labcorp Genetics (formerly Invitae), Labcorp
Classification: Uncertain significance. Last evaluated: 2025-12-31. Review status: criteria provided, single submitter. Criteria: Invitae Variant Classification Sherloc (09022015). Collection method: clinical testing. Allele origin: germline.
Comment: This sequence change replaces glycine, which is neutral and non-polar, with arginine, which is basic and polar, at codon 559 of the ABCA3 protein (p.Gly559Arg). This variant is not present in population databases (gnomAD no frequency). This missense change has been observed in individual(s) with pulmonary disease (PMID: 32238781). ClinVar contains an entry for this variant (Variation ID: 3341964). Invitae Evidence Modeling of protein sequence and biophysical properties (such as structural, functional, and spatial information, amino acid conservation, physicochemical variation, residue mobility, and thermodynamic stability) indicates that this missense variant is expected to disrupt ABCA3 protein function with a positive predictive value of 80%. In summary, the available evidence is currently insufficient to determine the role of this variant in disease. Therefore, it has been classified as a Variant of Uncertain Significance.

CeGaT Center for Human Genetics Tuebingen
Classification: Uncertain significance. Last evaluated: 2024-08-01. Review status: criteria provided, single submitter. Criteria: CeGaT Center For Human Genetics Tuebingen Variant Classification Criteria Version 2. Collection method: clinical testing. Allele origin: germline. Affected: yes. Observed: 1 variant allele.
Comment: ABCA3: PM2, PP3

Literature cited by the submitters: PubMed 32238781 (cited by Myriad Genetics, Inc. and Labcorp Genetics (formerly Invitae), Labcorp).